The following is an entry in ClinVar:

NM_006767.4(LZTR1):c.1616-7G>A

Gene: LZTR1 (leucine zipper like post translational regulator 1; plus strand). Cytogenetic location: 22q11.21.
Variant type: single nucleotide variant.
Coding change: c.1616-7G>A on transcript NM_006767.4 (MANE Select); 7 bases into the intron before coding-DNA position 1616, G replaced by A.
Molecular consequence: intron variant.
Genome position (GRCh38, 1-based): chr22:20,994,551, G>A. VCF-style: chr22-20994551-G-A. GRCh37 (hg19) VCF-style: chr22-21348840-G-A.
Identifiers: ClinVar variation 4705761 (VCV004705761.1).

ClinVar aggregate classification (germline): Uncertain significance (1 of 4 stars; one submission).

Submission:

Labcorp Genetics (formerly Invitae), Labcorp
Classification: Uncertain significance. Last evaluated: 2025-08-03. Review status: criteria provided, single submitter. Criteria: Invitae Variant Classification Sherloc (09022015). Collection method: clinical testing. Allele origin: germline.
Comment: This sequence change falls in intron 14 of the LZTR1 gene. It does not directly change the encoded amino acid sequence of the LZTR1 protein. This variant is not present in population databases (gnomAD no frequency). This variant has not been reported in the literature in individuals affected with LZTR1-related conditions. Algorithms developed to predict the effect of sequence changes on RNA splicing suggest that this variant may disrupt the consensus splice site. In summary, the available evidence is currently insufficient to determine the role of this variant in disease. Therefore, it has been classified as a Variant of Uncertain Significance.